The following is an entry in ClinVar:

NM_177438.3(DICER1):c.3451G>A (p.Val1151Met)

Gene: DICER1 (dicer 1, ribonuclease III; minus strand). Cytogenetic location: 14q32.13.
Variant type: single nucleotide variant.
Coding change: c.3451G>A on transcript NM_177438.3 (MANE Select); coding-DNA position 3451, G replaced by A.
Protein change: p.Val1151Met; replaces valine 1151 with methionine.
Molecular consequence: missense variant. On other transcripts: non-coding transcript variant (6).
Genome position (GRCh38, 1-based): chr14:95,103,945, C>T on the plus strand (G>A on the coding strand, the complement: DICER1 is on the minus strand). VCF-style: chr14-95103945-C-T. GRCh37 (hg19) VCF-style: chr14-95570282-C-T.
Other names: c.3451G>A, p.Val1151Met (NM_001195573.1, NM_001271282.3, NM_001291628.2 and 13 more transcripts); c.3169G>A, p.Val1057Met (NM_001395686.1); c.3046G>A, p.Val1016Met (NM_001395687.1, NM_001395688.1, NM_001395689.1 and 2 more transcripts); c.2884G>A, p.Val962Met (NM_001395691.1); c.1768G>A, p.Val590Met (NM_001395697.1); short protein forms V1057M, V590M, V1016M, V1151M, V962M.
Identifiers: ClinVar variation 2987261 (VCV002987261.4), dbSNP rs2139968301, ClinGen allele CA390875376.

ClinVar aggregate classification (germline): Uncertain significance. Review status: criteria provided, multiple submitters, no conflicts (2 of 4 stars). 2 submissions from 2 submitters: Uncertain significance (2). Last evaluated 2025-05-17.

Conditions:
Hereditary cancer-predisposing syndrome. Also called: Hereditary Cancer Syndrome; Hereditary neoplastic syndrome; Neoplastic Syndromes, Hereditary; Tumor predisposition. Identifiers: Orphanet 140162, MedGen C0027672, MeSH D009386, MONDO:0015356.
DICER1-related tumor predisposition. Also called: DICER1 syndrome; DICER1-related pleuropulmonary blastoma cancer predisposition syndrome. Identifiers: Orphanet 284343, MedGen C3839822, MONDO:0100216.

Allele frequency attached by ClinVar (database versions not stated): gnomAD exomes below 0.00001.
gnomAD v4.1: 1 of 1,614,170 alleles (0.000062%); highest among the groups gnomAD compares: Non-Finnish European, 0.000085%; no homozygotes.

Submissions (2):

Ambry Genetics
Classification: Uncertain significance for Hereditary cancer-predisposing syndrome. Last evaluated: 2025-05-17. Review status: criteria provided, single submitter. Criteria: Ambry Variant Classification Scheme 2023. Collection method: clinical testing. Allele origin: germline.
Comment: The p.V1151M variant (also known as c.3451G>A), located in coding exon 20 of the DICER1 gene, results from a G to A substitution at nucleotide position 3451. The valine at codon 1151 is replaced by methionine, an amino acid with highly similar properties. This amino acid position is conserved. In addition, the in silico prediction for this alteration is inconclusive. Based on the available evidence, the clinical significance of this variant remains unclear.

Labcorp Genetics (formerly Invitae), Labcorp
Classification: Uncertain significance for DICER1-related tumor predisposition. Last evaluated: 2025-03-19. Review status: criteria provided, single submitter. Criteria: Invitae Variant Classification Sherloc (09022015). Collection method: clinical testing. Allele origin: germline.
Comment: This sequence change replaces valine, which is neutral and non-polar, with methionine, which is neutral and non-polar, at codon 1151 of the DICER1 protein (p.Val1151Met). This variant is not present in population databases (gnomAD no frequency). This variant has not been reported in the literature in individuals affected with DICER1-related conditions. ClinVar contains an entry for this variant (Variation ID: 2987261). Invitae Evidence Modeling of protein sequence and biophysical properties (such as structural, functional, and spatial information, amino acid conservation, physicochemical variation, residue mobility, and thermodynamic stability) indicates that this missense variant is not expected to disrupt DICER1 protein function with a negative predictive value of 95%. In summary, the available evidence is currently insufficient to determine the role of this variant in disease. Therefore, it has been classified as a Variant of Uncertain Significance.